The following is an entry in ClinVar:

ClinVar aggregate classification (germline): Uncertain significance. Review status: criteria provided, multiple submitters, no conflicts (2 of 4 stars). 2 submissions from 2 submitters: Uncertain significance (2). Last evaluated 2025-05-09.

Conditions:
Neurofibromatosis, type 1 (NF1). Also called: Peripheral type neurofibromatosis; Neurofibromatosis, type I; VON RECKLINGHAUSEN DISEASE; NEUROFIBROMATOSIS, TYPE I, SOMATIC. Identifiers: Orphanet 636, MedGen C0027831, MONDO:0018975, OMIM 162200. Disease mechanism: loss of function.
Cardiovascular phenotype. Identifiers: MedGen CN230736.
Hereditary cancer-predisposing syndrome. Also called: Hereditary neoplastic syndrome; Tumor predisposition; Neoplastic Syndromes, Hereditary; Hereditary Cancer Syndrome. Identifiers: Orphanet 140162, MedGen C0027672, MeSH D009386, MONDO:0015356.

Submissions (2):

Labcorp Genetics (formerly Invitae), Labcorp
Classification: Uncertain significance for Neurofibromatosis, type 1. Last evaluated: 2025-05-09. Review status: criteria provided, single submitter. Criteria: Invitae Variant Classification Sherloc (09022015). Collection method: clinical testing. Allele origin: germline.
Comment: This sequence change replaces methionine, which is neutral and non-polar, with threonine, which is neutral and polar, at codon 707 of the NF1 protein (p.Met707Thr). This variant is not present in population databases (gnomAD no frequency). This variant has not been reported in the literature in individuals affected with NF1-related conditions. ClinVar contains an entry for this variant (Variation ID: 2452220). Invitae Evidence Modeling of protein sequence and biophysical properties (such as structural, functional, and spatial information, amino acid conservation, physicochemical variation, residue mobility, and thermodynamic stability) has been performed for this missense variant. However, the output from this modeling did not meet the statistical confidence thresholds required to predict the impact of this variant on NF1 protein function. In summary, the available evidence is currently insufficient to determine the role of this variant in disease. Therefore, it has been classified as a Variant of Uncertain Significance.

Ambry Genetics
Classification: Uncertain significance for Cardiovascular phenotype; Hereditary cancer-predisposing syndrome. Last evaluated: 2022-11-23. Review status: criteria provided, single submitter. Criteria: Ambry Variant Classification Scheme 2023. Collection method: clinical testing. Allele origin: germline.
Comment: The p.M707T variant (also known as c.2120T>C), located in coding exon 18 of the NF1 gene, results from a T to C substitution at nucleotide position 2120. The methionine at codon 707 is replaced by threonine, an amino acid with similar properties. This amino acid position is conserved. In addition, this alteration is predicted to be deleterious by in silico analysis. Since supporting evidence is limited at this time, the clinical significance of this alteration remains unclear.

NM_001042492.3(NF1):c.2120T>C (p.Met707Thr)

Gene: NF1 (neurofibromin 1; plus strand). Cytogenetic location: 17q11.2.
Variant type: single nucleotide variant.
Coding change: c.2120T>C on transcript NM_001042492.3 (MANE Select); coding-DNA position 2120, T replaced by C.
Protein change: p.Met707Thr; replaces methionine 707 with threonine.
Molecular consequence: missense variant.
Genome position (GRCh38, 1-based): chr17:31,226,553, T>C. VCF-style: chr17-31226553-T-C. GRCh37 (hg19) VCF-style: chr17-29553571-T-C.
Other names: c.2120T>C, p.Met707Thr (NM_000267.4); short protein forms M707T.
Identifiers: ClinVar variation 2452220 (VCV002452220.5), dbSNP rs2151425830, ClinGen allele CA398982297.